The following is an entry in ClinVar:

NM_001378457.1(DMXL2):c.2020C>G (p.Leu674Val)

Gene: DMXL2 (Dmx like 2; minus strand). Cytogenetic location: 15q21.2.
Variant type: single nucleotide variant.
Coding change: c.2020C>G on transcript NM_001378457.1 (MANE Select); coding-DNA position 2020, C replaced by G.
Protein change: p.Leu674Val; replaces leucine 674 with valine.
Molecular consequence: missense variant. On other transcripts: non-coding transcript variant (2).
Genome position (GRCh38, 1-based): chr15:51,536,460, G>C on the plus strand (C>G on the coding strand, the complement: DMXL2 is on the minus strand). VCF-style: chr15-51536460-G-C. GRCh37 (hg19) VCF-style: chr15-51828657-G-C.
Other names: c.2020C>G, p.Leu674Val (NM_001174116.3, NM_001174117.3, NM_001378458.1 and 6 more transcripts); c.1780C>G, p.Leu594Val (NM_001378464.1); short protein forms L674V, L594V.
Identifiers: ClinVar variation 1966203 (VCV001966203.5), dbSNP rs770098718, ClinGen allele CA270607701.

ClinVar aggregate classification (germline): Uncertain significance (1 of 4 stars; one submission).

Allele frequency attached by ClinVar (database versions not stated): gnomAD exomes 0.00001; TOPMed 0.00001.
gnomAD v4.1: 6 of 1,613,888 alleles (0.00037%); highest among the groups gnomAD compares: Non-Finnish European, 0.00051%; no homozygotes.

Submission:

Labcorp Genetics (formerly Invitae), Labcorp
Classification: Uncertain significance. Last evaluated: 2022-08-06. Review status: criteria provided, single submitter. Criteria: Invitae Variant Classification Sherloc (09022015). Collection method: clinical testing. Allele origin: germline.
Comment: In summary, the available evidence is currently insufficient to determine the role of this variant in disease. Therefore, it has been classified as a Variant of Uncertain Significance. Algorithms developed to predict the effect of missense changes on protein structure and function output the following: SIFT: "Deleterious"; PolyPhen-2: "Benign"; Align-GVGD: "Class C0". The valine amino acid residue is found in multiple mammalian species, which suggests that this missense change does not adversely affect protein function. This variant has not been reported in the literature in individuals affected with DMXL2-related conditions. This variant is not present in population databases (gnomAD no frequency). This sequence change replaces leucine, which is neutral and non-polar, with valine, which is neutral and non-polar, at codon 674 of the DMXL2 protein (p.Leu674Val).